The following is an entry in ClinVar:

ClinVar aggregate classification (germline): Uncertain significance (1 of 4 stars; one submission).

Submission:

Labcorp Genetics (formerly Invitae), Labcorp
Classification: Uncertain significance. Last evaluated: 2024-09-03. Review status: criteria provided, single submitter. Criteria: Invitae Variant Classification Sherloc (09022015). Collection method: clinical testing. Allele origin: germline.
Comment: This sequence change replaces glutamic acid, which is acidic and polar, with aspartic acid, which is acidic and polar, at codon 3576 of the KMT2A protein (p.Glu3576Asp). This variant is not present in population databases (gnomAD no frequency). This variant has not been reported in the literature in individuals affected with KMT2A-related conditions. Invitae Evidence Modeling of protein sequence and biophysical properties (such as structural, functional, and spatial information, amino acid conservation, physicochemical variation, residue mobility, and thermodynamic stability) indicates that this missense variant is not expected to disrupt KMT2A protein function with a negative predictive value of 95%. In summary, the available evidence is currently insufficient to determine the role of this variant in disease. Therefore, it has been classified as a Variant of Uncertain Significance.

NM_001197104.2(KMT2A):c.10728A>C (p.Glu3576Asp)

Gene: KMT2A (lysine methyltransferase 2A; plus strand). Cytogenetic location: 11q23.3.
Variant type: single nucleotide variant.
Coding change: c.10728A>C on transcript NM_001197104.2 (MANE Select); coding-DNA position 10728, A replaced by C.
Protein change: p.Glu3576Asp; replaces glutamic acid 3576 with aspartic acid.
Molecular consequence: missense variant.
Genome position (GRCh38, 1-based): chr11:118,506,620, A>C. VCF-style: chr11-118506620-A-C. GRCh37 (hg19) VCF-style: chr11-118377335-A-C.
Other names: c.10818A>C, p.Glu3606Asp (NM_001412597.1); c.10719A>C, p.Glu3573Asp (NM_005933.4); short protein forms E3606D, E3573D, E3576D.
Identifiers: ClinVar variation 3634364 (VCV003634364.2).